The following is an entry in ClinVar:

ClinVar aggregate classification (germline): Conflicting classifications of pathogenicity. Review status: criteria provided, conflicting classifications (1 of 4 stars). 2 submissions from 2 submitters: Pathogenic (1); Uncertain significance (1). Last evaluated 2025-07-18.

Conditions:
Galactosylceramide beta-galactosidase deficiency. Also called: GALACTOCEREBROSIDASE DEFICIENCY; GALC DEFICIENCY; GLOBOID CELL LEUKOENCEPHALOPATHY; Krabbe Disease; Leukodystrophy, Globoid Cell. Identifiers: Orphanet 487, MedGen C0023521, MONDO:0009499, OMIM 245200.

Allele frequency attached by ClinVar (database versions not stated): gnomAD exomes below 0.00001.
gnomAD v4.1: 1 of 1,612,882 alleles (0.000062%); highest among the groups gnomAD compares: Admixed American, 0.0017%; no homozygotes.

Submissions (2):

Women's Health and Genetics/Laboratory Corporation of America, LabCorp
Classification: Uncertain significance. Last evaluated: 2025-07-18. Review status: criteria provided, single submitter. Criteria: LabCorp Variant Classification Summary - May 2015. Collection method: clinical testing. Allele origin: germline.
Comment: Variant summary: GALC c.1065G>T (p.Trp355Cys) results in a non-conservative amino acid change in the encoded protein sequence. Algorithms developed to predict the effect of missense changes on protein structure and function all suggest that this variant is likely to be disruptive. The variant was absent in 249108 control chromosomes (gnomAD). c.1065G>T has been reported in the literature in individuals affected with Krabbe Disease (Zhong_2020, Paiva_2022). These data indicate that the variant may be associated with disease. To our knowledge, no experimental evidence demonstrating an impact on protein function has been reported. The following publications have been ascertained in the context of this evaluation (PMID: 35212100, 32973651). ClinVar contains an entry for this variant (Variation ID: 2573373). Based on the evidence outlined above, the variant was classified as VUS-possibly pathogenic.

Labcorp Genetics (formerly Invitae), Labcorp
Classification: Pathogenic for Galactosylceramide beta-galactosidase deficiency. Last evaluated: 2024-10-07. Review status: criteria provided, single submitter. Criteria: Invitae Variant Classification Sherloc (09022015). Collection method: clinical testing. Allele origin: germline.
Comment: This sequence change replaces tryptophan, which is neutral and slightly polar, with cysteine, which is neutral and slightly polar, at codon 355 of the GALC protein (p.Trp355Cys). This variant is not present in population databases (gnomAD no frequency). This missense change has been observed in individual(s) with Krabbe disease (PMID: 32973651, 35212100). In at least one individual the data is consistent with being in trans (on the opposite chromosome) from a pathogenic variant. ClinVar contains an entry for this variant (Variation ID: 2573373). Invitae Evidence Modeling of protein sequence and biophysical properties (such as structural, functional, and spatial information, amino acid conservation, physicochemical variation, residue mobility, and thermodynamic stability) indicates that this missense variant is expected to disrupt GALC protein function with a positive predictive value of 95%. For these reasons, this variant has been classified as Pathogenic.

Literature cited by the submitters: PubMed 35212100 (cited by Women's Health and Genetics/Laboratory Corporation of America, LabCorp and Labcorp Genetics (formerly Invitae), Labcorp); PubMed 32973651 (cited by Women's Health and Genetics/Laboratory Corporation of America, LabCorp and Labcorp Genetics (formerly Invitae), Labcorp); PubMed 35013804 (cited by Women's Health and Genetics/Laboratory Corporation of America, LabCorp).

NM_000153.4(GALC):c.1065G>T (p.Trp355Cys)

Gene: GALC (galactosylceramidase; minus strand). Cytogenetic location: 14q31.3.
Variant type: single nucleotide variant.
Coding change: c.1065G>T on transcript NM_000153.4 (MANE Select); coding-DNA position 1065, G replaced by T.
Protein change: p.Trp355Cys; replaces tryptophan 355 with cysteine.
Molecular consequence: missense variant.
Genome position (GRCh38, 1-based): chr14:87,963,480, C>A on the plus strand (G>T on the coding strand, the complement: GALC is on the minus strand). VCF-style: chr14-87963480-C-A. GRCh37 (hg19) VCF-style: chr14-88429824-C-A.
Other names: c.996G>T, p.Trp332Cys (NM_001201401.2); c.987G>T, p.Trp329Cys (NM_001201402.2); short protein forms W329C, W332C, W355C.
Identifiers: ClinVar variation 2573373 (VCV002573373.5), dbSNP rs1057516270, ClinGen allele CA390747320.